The following is an entry in ClinVar:

NM_000321.3(RB1):c.683A>G (p.Lys228Arg)

Gene: RB1 (RB transcriptional corepressor 1; plus strand). Cytogenetic location: 13q14.2.
Variant type: single nucleotide variant.
Coding change: c.683A>G on transcript NM_000321.3 (MANE Select); coding-DNA position 683, A replaced by G.
Protein change: p.Lys228Arg; replaces lysine 228 with arginine.
Molecular consequence: missense variant.
Genome position (GRCh38, 1-based): chr13:48,360,092, A>G. VCF-style: chr13-48360092-A-G. GRCh37 (hg19) VCF-style: chr13-48934228-A-G.
Other names: c.683A>G, p.Lys228Arg (NM_001407165.1, NM_001407166.1); short protein forms K228R.
Identifiers: ClinVar variation 2560796 (VCV002560796.4), dbSNP rs760584178, ClinGen allele CA039234.

ClinVar aggregate classification (germline): Uncertain significance. Review status: criteria provided, multiple submitters, no conflicts (2 of 4 stars). 2 submissions from 2 submitters: Uncertain significance (2). Last evaluated 2025-06-08.

Conditions:
Hereditary cancer-predisposing syndrome. Also called: Neoplastic Syndromes, Hereditary; Hereditary Cancer Syndrome; Hereditary neoplastic syndrome; Tumor predisposition. Identifiers: Orphanet 140162, MedGen C0027672, MeSH D009386, MONDO:0015356.

Allele frequency attached by ClinVar (database versions not stated): gnomAD exomes 0.00001; ExAC 0.00002.
gnomAD v4.1: 4 of 1,612,706 alleles (0.00025%); highest among the groups gnomAD compares: Non-Finnish European, 0.00034%; no homozygotes.

Submissions (2):

Ambry Genetics
Classification: Uncertain significance for Hereditary cancer-predisposing syndrome. Last evaluated: 2025-06-08. Review status: criteria provided, single submitter. Criteria: Ambry Variant Classification Scheme 2023. Collection method: clinical testing. Allele origin: germline.
Comment: The p.K228R variant (also known as c.683A>G), located in coding exon 7 of the RB1 gene, results from an A to G substitution at nucleotide position 683. The lysine at codon 228 is replaced by arginine, an amino acid with highly similar properties. This amino acid position is highly conserved in available vertebrate species. In addition, the in silico prediction for this alteration is inconclusive. Since supporting evidence is limited at this time, the clinical significance of this alteration remains unclear.

GeneDx
Classification: Uncertain significance. Last evaluated: 2024-07-05. Review status: criteria provided, single submitter. Criteria: GeneDx Variant Classification Process June 2021. Collection method: clinical testing. Allele origin: germline. Affected: yes.
Comment: Not observed at significant frequency in large population cohorts (gnomAD); In silico analysis indicates that this missense variant does not alter protein structure/function; Has not been previously published as pathogenic or benign to our knowledge; This variant is associated with the following publications: (PMID: 23516486)